The following is an entry in ClinVar:

ClinVar aggregate classification (germline): Conflicting classifications of pathogenicity. Review status: criteria provided, conflicting classifications (1 of 4 stars). 7 submissions from 7 submitters: Uncertain significance (5); Likely benign (1). 1 of the submissions does not count toward it. Last evaluated 2025-12-03.

Conditions:
Cardiomyopathy (CMYO). Also called: Cardiomyopathies. Identifiers: Orphanet 167848, MedGen C0878544, MONDO:0004994, HP:0001638. Inheritance: Various modes of inheritance.
Hypertrophic cardiomyopathy 4. Also called: Familial hypertrophic cardiomyopathy 4. Identifiers: MedGen C1861862, MONDO:0007268, OMIM 115197.
Hypertrophic cardiomyopathy. Also called: HYPERTROPHIC MYOCARDIOPATHY. Identifiers: Orphanet 217569, MedGen C0007194, MeSH D002312, MONDO:0005045, HP:0001639.

Allele frequency attached by ClinVar (database versions not stated): gnomAD 0.00001; gnomAD exomes below 0.00001; TOPMed below 0.00001.
gnomAD v4.1: 10 of 1,610,278 alleles (0.00062%); highest among the groups gnomAD compares: Non-Finnish European, 0.00085%; no homozygotes.

Submissions (7):

Labcorp Genetics (formerly Invitae), Labcorp
Classification: Likely benign for Hypertrophic cardiomyopathy. Last evaluated: 2025-12-03. Review status: criteria provided, single submitter. Criteria: Invitae Variant Classification Sherloc (09022015). Collection method: clinical testing. Allele origin: germline.

All of Us Research Program, National Institutes of Health
Classification: Uncertain significance for Hypertrophic cardiomyopathy. Last evaluated: 2024-07-20. Review status: criteria provided, single submitter. Criteria: ACMG Guidelines, 2015. Collection method: clinical testing. Allele origin: germline. Inheritance: Autosomal dominant inheritance. Observed: 1 variant allele, 1 heterozygote.
Comment: This variant causes a T to G nucleotide substitution at the -10 position of intron 33 of the MYBPC3 gene. Splice site prediction tools are inconclusive regarding the impact of this variant on RNA splicing. To our knowledge, RNA studies have not been reported for this variant. This variant has been reported in an individual affected with hypertrophic cardiomyopathy (PMID: 25611685). This variant has been identified in 1/242620 chromosomes in the general population by the Genome Aggregation Database (gnomAD). The available evidence is insufficient to determine the role of this variant in disease conclusively. Therefore, this variant is classified as a Variant of Uncertain Significance.

This study involves interpretation of variants in research participants for the purpose of population health screening. Participant phenotype was not available at the time of variant classification. Additional details can be found in publication PMID: 35346344, PMCID: PMC8962531

Color Diagnostics, LLC DBA Color Health
Classification: Uncertain significance for Cardiomyopathy. Last evaluated: 2024-07-11. Review status: criteria provided, single submitter. Criteria: ACMG Guidelines, 2015. Collection method: clinical testing. Allele origin: germline.
Comment: This variant causes a T to G nucleotide substitution at the -10 position of intron 33 of the MYBPC3 gene. Splice site prediction tools are inconclusive regarding the impact of this variant on RNA splicing. To our knowledge, RNA studies have not been reported for this variant. This variant has been reported in an individual affected with hypertrophic cardiomyopathy (PMID: 25611685). This variant has been identified in 1/242620 chromosomes in the general population by the Genome Aggregation Database (gnomAD). The available evidence is insufficient to determine the role of this variant in disease conclusively. Therefore, this variant is classified as a Variant of Uncertain Significance.

3billion
Classification: Uncertain significance for Hypertrophic cardiomyopathy 4. Last evaluated: 2023-11-02. Review status: criteria provided, single submitter. Criteria: ACMG Guidelines, 2015. Collection method: clinical testing. Allele origin: germline. Affected: yes.
Comment: The variant is observed at an extremely low frequency in the gnomAD v2.1.1 dataset (total allele frequency: <0.001%). Predicted Consequence/Location: Intron variant In silico tools predict the variant to alter splicing and produce an abnormal transcript [SpliceAI: 0.38 (>=0.2, moderate evidence for spliceogenicity)]. The variant has been reported without evidence for the classification (ClinVar ID: VCV000042745). However, the evidence of pathogenicity is insufficient at this time with conflicting interpretations of pathogenicity. Therefore, this variant is classified as VUS according to the recommendation of ACMG/AMP guideline.

CHEO Genetics Diagnostic Laboratory, Children's Hospital of Eastern Ontario
Classification: Uncertain significance for Cardiomyopathy. Last evaluated: 2021-09-23. Review status: criteria provided, single submitter. Criteria: ACMG Guidelines, 2015. Collection method: clinical testing. Allele origin: germline.

GeneDx
Classification: Uncertain significance. Last evaluated: 2021-04-30. Review status: criteria provided, single submitter. Criteria: GeneDx Variant Classification Process June 2021. Collection method: clinical testing. Allele origin: germline. Affected: yes.
Comment: Reported as a variant of uncertain significance present in a clinical variant database (Ito et al., 2017); In-silico analysis, which includes splice predictors and evolutionary conservation, is inconclusive as to whether the variant alters gene splicing. In the absence of RNA/functional studies, the actual effect of this sequence change is unknown.; Reported in ClinVar but additional evidence is not available (ClinVar Variant ID# 42745; Landrum et al., 2016); Not observed at a significant frequency in large population cohorts (Lek et al., 2016); This variant is associated with the following publications: (PMID: 32123317, 31006259, 28679633)

Laboratory for Molecular Medicine, Mass General Brigham Personalized Medicine
Classification: Uncertain significance. Last evaluated: 2009-08-17. Review status: no assertion criteria provided. Collection method: clinical testing. Allele origin: germline. Observed: 1 variant allele. Not counted in ClinVar's aggregate classification.

Literature cited by the submitters: PubMed 25611685 (cited by All of Us Research Program, National Institutes of Health and Color Diagnostics, LLC DBA Color Health).

NM_000256.3(MYBPC3):c.3815-10T>G

Gene: MYBPC3 (myosin binding protein C3; minus strand). Cytogenetic location: 11p11.2.
Variant type: single nucleotide variant.
Coding change: c.3815-10T>G on transcript NM_000256.3 (MANE Select); 10 bases into the intron before coding-DNA position 3815, T replaced by G.
Molecular consequence: intron variant.
Genome position (GRCh38, 1-based): chr11:47,331,891, A>C on the plus strand (T>G on the coding strand, the complement: MYBPC3 is on the minus strand). VCF-style: chr11-47331891-A-C. GRCh37 (hg19) VCF-style: chr11-47353442-A-C.
Identifiers: ClinVar variation 42745 (VCV000042745.23), dbSNP rs397516043, ClinGen allele CA014979.